The following is an entry in ClinVar:

NM_001458.5(FLNC):c.3512G>T (p.Gly1171Val)

Gene: FLNC (filamin C; plus strand). Cytogenetic location: 7q32.1.
Variant type: single nucleotide variant.
Coding change: c.3512G>T on transcript NM_001458.5 (MANE Select); coding-DNA position 3512, G replaced by T.
Protein change: p.Gly1171Val; replaces glycine 1171 with valine.
Molecular consequence: missense variant.
Genome position (GRCh38, 1-based): chr7:128,844,977, G>T. VCF-style: chr7-128844977-G-T. GRCh37 (hg19) VCF-style: chr7-128485031-G-T.
Other names: c.3512G>T, p.Gly1171Val (NM_001127487.2); short protein forms G1171V.
Identifiers: ClinVar variation 1721032 (VCV001721032.6), dbSNP rs1298622480, ClinGen allele CA369197135.
Genomic context (GRCh38, chr7:128,844,977, plus strand): 5'-CTGTGTTTGACCCGAGCAAGGTGCGGGCCAGTGGACCGGGCCTGGAGCGCGGCAAGGTCG[G>T]TGAGGCAGCCACCTTCACTGTGGACTGCTCAGAGGCAGGCGAGGCGGAGCTGACCATTGA-3'
Protein context (NP_001449.3, residues 1161-1181): SGPGLERGKV[Gly1171Val]EAATFTVDCS

ClinVar aggregate classification (germline): Uncertain significance (1 of 4 stars; one submission).

Conditions:
Myofibrillar myopathy 5. Also called: Filaminopathy (type); FILAMINOPATHY, AUTOSOMAL DOMINANT. Identifiers: Orphanet 171445, MedGen C1836050, MONDO:0012289, OMIM 609524.
Distal myopathy with posterior leg and anterior hand involvement. Also called: WILLIAMS DISTAL MYOPATHY. Identifiers: Orphanet 63273, MedGen C3279722, MONDO:0013550, OMIM 614065.
Hypertrophic cardiomyopathy 26. Also called: Cardiomyopathy, familial hypertrophic, 26. Identifiers: Orphanet 75249, MedGen C4310749, MONDO:0014883, OMIM 617047.

Submission:

Labcorp Genetics (formerly Invitae), Labcorp
Classification: Uncertain significance for Distal myopathy with posterior leg and anterior hand involvement; Myofibrillar myopathy 5; Hypertrophic cardiomyopathy 26. Last evaluated: 2022-10-05. Review status: criteria provided, single submitter. Criteria: Invitae Variant Classification Sherloc (09022015). Collection method: clinical testing. Allele origin: germline.
Comment: This variant is not present in population databases (gnomAD no frequency). In summary, the available evidence is currently insufficient to determine the role of this variant in disease. Therefore, it has been classified as a Variant of Uncertain Significance. Advanced modeling of protein sequence and biophysical properties (such as structural, functional, and spatial information, amino acid conservation, physicochemical variation, residue mobility, and thermodynamic stability) has been performed at Invitae for this missense variant, however the output from this modeling did not meet the statistical confidence thresholds required to predict the impact of this variant on FLNC protein function. This variant has not been reported in the literature in individuals affected with FLNC-related conditions. This sequence change replaces glycine, which is neutral and non-polar, with valine, which is neutral and non-polar, at codon 1171 of the FLNC protein (p.Gly1171Val).